The following is an entry in ClinVar:

ClinVar aggregate classification (germline): Conflicting classifications of pathogenicity. Review status: criteria provided, conflicting classifications (1 of 4 stars). 2 submissions from 2 submitters: Uncertain significance (1); Likely benign (1). Last evaluated 2025-05-12.

Conditions:
Hereditary pancreatitis (PCTT). Also called: PRSS1-Related Hereditary Pancreatitis; Hereditary chronic pancreatitis. Identifiers: Orphanet 676, MedGen C0238339, MONDO:0008185, OMIM 167800.

Submissions (2):

Labcorp Genetics (formerly Invitae), Labcorp
Classification: Likely benign for Hereditary pancreatitis. Last evaluated: 2025-05-12. Review status: criteria provided, single submitter. Criteria: Invitae Variant Classification Sherloc (09022015). Collection method: clinical testing. Allele origin: germline.

Women's Health and Genetics/Laboratory Corporation of America, LabCorp
Classification: Uncertain significance. Last evaluated: 2016-10-14. Review status: criteria provided, single submitter. Criteria: LabCorp Variant Classification Summary - May 2015. Collection method: clinical testing. Allele origin: germline.
Comment: Variant summary: The SPINK1 c.195-7A>G variant involves the alteration of a non-conserved intronic nucleotide with 5/5 splica prediction tools predicting the variant not to have a significant impact on splicing, although these predictions have yet to be functionally assessed. The variant of interest was not observed in controls (ExAC, 1000 Gs, or ESP), nor has it been, to our knowledge, reported in affected individuals via publications and/or reputable databases/clinical diagnostic laboratories. Therefore, due to the limited available information, the variant of interest has been classified as a "Variant of Uncertain Significance (VUS)," until additional information becomes available.

NM_001379610.1(SPINK1):c.195-7A>G

Gene: SPINK1 (serine peptidase inhibitor Kazal type 1; minus strand). Cytogenetic location: 5q32.
Variant type: single nucleotide variant.
Coding change: c.195-7A>G on transcript NM_001379610.1 (MANE Select); 7 bases into the intron before coding-DNA position 195, A replaced by G.
Molecular consequence: intron variant.
Genome position (GRCh38, 1-based): chr5:147,824,713, T>C on the plus strand (A>G on the coding strand, the complement: SPINK1 is on the minus strand). VCF-style: chr5-147824713-T-C. GRCh37 (hg19) VCF-style: chr5-147204276-T-C.
Other names: c.195-7A>G (NM_003122.5, NM_001354966.2).
Identifiers: ClinVar variation 496199 (VCV000496199.2), dbSNP rs1554089593, ClinGen allele CA658683433.